The following is an entry in ClinVar:

NM_001365536.1(SCN9A):c.2182C>T (p.Pro728Ser)

Genes: SCN9A (sodium voltage-gated channel alpha subunit 9; minus strand), SCN1A-AS1 (SCN1A and SCN9A antisense RNA 1; plus strand). Cytogenetic location: 2q24.3.
Variant type: single nucleotide variant.
Coding change: c.2182C>T on transcript NM_001365536.1 (MANE Select); coding-DNA position 2182, C replaced by T.
Protein change: p.Pro728Ser; replaces proline 728 with serine.
Molecular consequence: missense variant.
Genome position (GRCh38, 1-based): chr2:166,280,518, G>A on the plus strand (C>T on the coding strand, the complement: SCN9A is on the minus strand). VCF-style: chr2-166280518-G-A. GRCh37 (hg19) VCF-style: chr2-167137028-G-A.
Other names: c.2149C>T, p.Pro717Ser (NM_002977.4); short protein forms P717S, P728S.
Identifiers: ClinVar variation 4790994 (VCV004790994.1).
Genomic context (GRCh38, chr2:166,280,518, plus strand): 5'-GATCTACAAAAGGATCCATTACAATAAAATAGATACACTTTTTGAATTTTATCCAATATG[G>A]AGAGCAATTCCAGATCAAGAATTTGTGTGCAAATCTGTACCACCAAGGTGGACATTTTTG-3'
Protein context (NP_001352465.1, residues 718-738): AHKFLIWNCS[Pro728Ser]YWIKFKKCIY

ClinVar aggregate classification (germline): Uncertain significance (1 of 4 stars; one submission).

Conditions:
Neuropathy, hereditary sensory and autonomic, type 2A (HSAN2A). Also called: ACROOSTEOLYSIS, GIACCAI TYPE; ACROOSTEOLYSIS, NEUROGENIC; MORVAN DISEASE; NEUROPATHY, CONGENITAL SENSORY; NEUROPATHY, HEREDITARY SENSORY RADICULAR, AUTOSOMAL RECESSIVE; NEUROPATHY, HEREDITARY SENSORY, TYPE IIA. Identifiers: Orphanet 970, MedGen C2752089, MONDO:0024309, OMIM 201300.
Generalized epilepsy with febrile seizures plus, type 7 (GEFSP7). Also called: GEFS+, TYPE 7. Identifiers: Orphanet 36387, MedGen C2751778, MONDO:0013470, OMIM 613863.

gnomAD v4.1: 2 of 1,591,186 alleles (0.00013%); highest among the groups gnomAD compares: Non-Finnish European, 0.00017%; no homozygotes.

Submission:

Labcorp Genetics (formerly Invitae), Labcorp
Classification: Uncertain significance for Neuropathy, hereditary sensory and autonomic, type 2A; Generalized epilepsy with febrile seizures plus, type 7. Last evaluated: 2025-03-18. Review status: criteria provided, single submitter. Criteria: Invitae Variant Classification Sherloc (09022015). Collection method: clinical testing. Allele origin: germline.
Comment: This sequence change replaces proline, which is neutral and non-polar, with serine, which is neutral and polar, at codon 717 of the SCN9A protein (p.Pro717Ser). This variant is not present in population databases (gnomAD no frequency). This variant has not been reported in the literature in individuals affected with SCN9A-related conditions. Invitae Evidence Modeling of protein sequence and biophysical properties (such as structural, functional, and spatial information, amino acid conservation, physicochemical variation, residue mobility, and thermodynamic stability) indicates that this missense variant is not expected to disrupt SCN9A protein function with a negative predictive value of 95%. In summary, the available evidence is currently insufficient to determine the role of this variant in disease. Therefore, it has been classified as a Variant of Uncertain Significance.